The following is an entry in ClinVar:

NM_172107.4(KCNQ2):c.1118+6G>A

Gene: KCNQ2 (potassium voltage-gated channel subfamily Q member 2; minus strand). Cytogenetic location: 20q13.33.
Variant type: single nucleotide variant.
Coding change: c.1118+6G>A on transcript NM_172107.4 (MANE Select); 6 bases into the intron after coding-DNA position 1118, G replaced by A.
Molecular consequence: intron variant. On other transcripts: missense variant (1).
Genome position (GRCh38, 1-based): chr20:63,433,803, C>T on the plus strand (G>A on the coding strand, the complement: KCNQ2 is on the minus strand). VCF-style: chr20-63433803-C-T. GRCh37 (hg19) VCF-style: chr20-62065156-C-T.
Other names: c.1124G>A, p.Arg375His (NM_172109.3); c.1118+6G>A (NM_004518.6, NM_172108.5, NM_172106.3 and 1 more transcripts); short protein forms R375H.
Identifiers: ClinVar variation 2078273 (VCV002078273.4), dbSNP rs528957010, ClinGen allele CA9958640.

ClinVar aggregate classification (germline): Uncertain significance (1 of 4 stars; one submission).

Conditions:
Early-infantile DEE. Also called: Early infantile epileptic encephalopathy with suppression bursts; Ohtahara syndrome; Early infantile epileptic encephalopathy. Identifiers: Orphanet 1934, MedGen C0393706, MONDO:0800491.

Allele frequency attached by ClinVar (database versions not stated): gnomAD exomes below 0.00001; TOPMed below 0.00001; ExAC 0.00001; 1000 Genomes Project 30x 0.00016; 1000 Genomes Project 0.00020.

Submission:

Labcorp Genetics (formerly Invitae), Labcorp
Classification: Uncertain significance for Early-infantile DEE. Last evaluated: 2023-12-11. Review status: criteria provided, single submitter. Criteria: Invitae Variant Classification Sherloc (09022015). Collection method: clinical testing. Allele origin: germline.
Comment: This sequence change falls in intron 8 of the KCNQ2 gene. It does not directly change the encoded amino acid sequence of the KCNQ2 protein. It affects a nucleotide within the consensus splice site. This variant is not present in population databases (gnomAD no frequency). This variant has not been reported in the literature in individuals affected with KCNQ2-related conditions. ClinVar contains an entry for this variant (Variation ID: 2078273). Variants that disrupt the consensus splice site are a relatively common cause of aberrant splicing (PMID: 17576681, 9536098). Algorithms developed to predict the effect of sequence changes on RNA splicing suggest that this variant is not likely to affect RNA splicing. In summary, the available evidence is currently insufficient to determine the role of this variant in disease. Therefore, it has been classified as a Variant of Uncertain Significance.

Literature cited by the submitters: PubMed 17576681; PubMed 9536098.